The following is an entry in ClinVar:

NM_000393.5(COL5A2):c.2327A>C (p.Lys776Thr)

Gene: COL5A2 (collagen type V alpha 2 chain; minus strand). Cytogenetic location: 2q32.2.
Variant type: single nucleotide variant.
Coding change: c.2327A>C on transcript NM_000393.5 (MANE Select); coding-DNA position 2327, A replaced by C.
Protein change: p.Lys776Thr; replaces lysine 776 with threonine.
Molecular consequence: missense variant.
Genome position (GRCh38, 1-based): chr2:189,057,330, T>G on the plus strand (A>C on the coding strand, the complement: COL5A2 is on the minus strand). VCF-style: chr2-189057330-T-G. GRCh37 (hg19) VCF-style: chr2-189922056-T-G.
Other names: short protein forms K776T.
Identifiers: ClinVar variation 3673978 (VCV003673978.2).

ClinVar aggregate classification (germline): Uncertain significance (1 of 4 stars; one submission).

Conditions:
Ehlers-Danlos syndrome, classic type, 1 (EDSCL1). Also called: EHLERS-DANLOS SYNDROME, GRAVIS TYPE; EHLERS-DANLOS SYNDROME, SEVERE CLASSIC TYPE; Ehlers-Danlos syndrome, type 1; Ehlers-Danlos Syndrome, Classic Type, COL5A1-Related; EDS I. Identifiers: MedGen C0268335, MONDO:0019567, OMIM 130000.

Submission:

Labcorp Genetics (formerly Invitae), Labcorp
Classification: Uncertain significance for Ehlers-Danlos syndrome, classic type, 1. Last evaluated: 2024-02-06. Review status: criteria provided, single submitter. Criteria: Invitae Variant Classification Sherloc (09022015). Collection method: clinical testing. Allele origin: germline.
Comment: This sequence change replaces lysine, which is basic and polar, with threonine, which is neutral and polar, at codon 776 of the COL5A2 protein (p.Lys776Thr). This variant is not present in population databases (gnomAD no frequency). This variant has not been reported in the literature in individuals affected with COL5A2-related conditions. Advanced modeling of protein sequence and biophysical properties (such as structural, functional, and spatial information, amino acid conservation, physicochemical variation, residue mobility, and thermodynamic stability) performed at Invitae indicates that this missense variant is not expected to disrupt COL5A2 protein function with a negative predictive value of 80%. In summary, the available evidence is currently insufficient to determine the role of this variant in disease. Therefore, it has been classified as a Variant of Uncertain Significance.